The following is an entry in ClinVar:

ClinVar aggregate classification (germline): Likely benign. Review status: criteria provided, single submitter (1 of 4 stars). 2 submissions from 2 submitters: Likely benign (1). 1 of the submissions does not count toward it. Last evaluated 2026-09-01.

Conditions:
SRRM2-related disorder. Also called: SRRM2-related condition.

Allele frequency attached by ClinVar (database versions not stated): 1000 Genomes Project 30x 0.00031; 1000 Genomes Project 0.00040; gnomAD 0.00175; ExAC 0.00225; TOPMed 0.00230; ESP Exome Variant Server 0.00285; gnomAD exomes 0.00345.
gnomAD v4.1: 5,270 of 1,614,206 alleles (0.33%); highest among the groups gnomAD compares: Non-Finnish European, 0.42%; 18 homozygotes.

Submissions (2):

CeGaT Center for Human Genetics Tuebingen
Classification: Likely benign. Last evaluated: 2026-09-01. Review status: criteria provided, single submitter. Criteria: CeGaT Center For Human Genetics Tuebingen Variant Classification Criteria Version 2. Collection method: clinical testing. Allele origin: germline. Affected: yes. Observed: 5 variant alleles.
Comment: SRRM2: BP4, BS2

PreventionGenetics, part of Exact Sciences
Classification: Likely benign for SRRM2-related condition. Last evaluated: 2022-05-09. Review status: no assertion criteria provided. Collection method: clinical testing. Allele origin: germline. Not counted in ClinVar's aggregate classification.
Comment: This variant is classified as likely benign based on ACMG/AMP sequence variant interpretation guidelines (Richards et al. 2015 PMID: 25741868, with internal and published modifications).

NM_016333.4(SRRM2):c.986A>G (p.Lys329Arg)

Gene: SRRM2 (serine/arginine repetitive matrix 2; plus strand). Cytogenetic location: 16p13.3.
Variant type: single nucleotide variant.
Coding change: c.986A>G on transcript NM_016333.4 (MANE Select); coding-DNA position 986, A replaced by G.
Protein change: p.Lys329Arg; replaces lysine 329 with arginine.
Molecular consequence: missense variant.
Genome position (GRCh38, 1-based): chr16:2,760,453, A>G. VCF-style: chr16-2760453-A-G. GRCh37 (hg19) VCF-style: chr16-2810454-A-G.
Other names: short protein forms K329R.
Identifiers: ClinVar variation 3050567 (VCV003050567.10), dbSNP rs144062317, ClinGen allele CA7847098.